The following is an entry in ClinVar:

ClinVar aggregate classification (germline): Uncertain significance (1 of 4 stars; one submission).

Conditions:
Ataxia-telangiectasia syndrome (AT). Also called: Ataxia-telangiectasia, complementation group E; Cerebello-oculocutaneous telangiectasia; Immunodeficiency with ataxia telangiectasia; Ataxia-telangiectasia, complementation group D; AT, COMPLEMENTATION GROUP C; Ataxia-telangiectasia. Identifiers: Orphanet 100, MedGen C0004135, MONDO:0008840, OMIM 208900.

Submission:

Labcorp Genetics (formerly Invitae), Labcorp
Classification: Uncertain significance for Ataxia-telangiectasia syndrome. Last evaluated: 2019-12-12. Review status: criteria provided, single submitter. Criteria: Invitae Variant Classification Sherloc (09022015). Collection method: clinical testing. Allele origin: germline.
Comment: In summary, the available evidence is currently insufficient to determine the role of this variant in disease. Therefore, it has been classified as a Variant of Uncertain Significance. Algorithms developed to predict the effect of missense changes on protein structure and function are either unavailable or do not agree on the potential impact of this missense change (SIFT: "Tolerated"; PolyPhen-2: "Possibly Damaging"; Align-GVGD: "Class C0"). This variant has not been reported in the literature in individuals with ATM-related conditions. This variant is not present in population databases (ExAC no frequency). This sequence change replaces alanine with proline at codon 244 of the ATM protein (p.Ala244Pro). The alanine residue is moderately conserved and there is a small physicochemical difference between alanine and proline.

NM_000051.4(ATM):c.730G>C (p.Ala244Pro)

Gene: ATM (ATM serine/threonine kinase; plus strand). Cytogenetic location: 11q22.3.
Variant type: single nucleotide variant.
Coding change: c.730G>C on transcript NM_000051.4 (MANE Select); coding-DNA position 730, G replaced by C.
Protein change: p.Ala244Pro; replaces alanine 244 with proline.
Molecular consequence: missense variant.
Genome position (GRCh38, 1-based): chr11:108,244,855, G>C. VCF-style: chr11-108244855-G-C. GRCh37 (hg19) VCF-style: chr11-108115582-G-C.
Other names: c.730G>C, p.Ala244Pro (NM_001351834.2); short protein forms A244P.
Identifiers: ClinVar variation 854479 (VCV000854479.10), dbSNP rs2079760518, ClinGen allele CA382529232.
Genomic context (GRCh38, chr11:108,244,855, plus strand): 5'-AAGAGCTCTTCAGGTCTAAATCATATCTTAGCAGCTCTTACTATCTTCCTCAAGACTTTG[G>C]CTGTCAACTTTCGAATTCGAGTGTGTGAATTAGGAGATGAAATTCTTCCCACTTTGCTTT-3'
Protein context (NP_000042.3, residues 234-254): AALTIFLKTL[Ala244Pro]VNFRIRVCEL